The following is an entry in ClinVar:

ClinVar aggregate classification (germline): Conflicting classifications of pathogenicity. Review status: criteria provided, conflicting classifications (1 of 4 stars). 5 submissions from 5 submitters: Likely pathogenic (1); Uncertain significance (4). Last evaluated 2026-07-21.

Conditions:
DFNB59-related disorders.
Autosomal recessive nonsyndromic hearing loss 59. Identifiers: Orphanet 90636, MedGen C1857744, MONDO:0012445, OMIM 610220.

Allele frequency attached by ClinVar (database versions not stated): gnomAD exomes 0.00003 and 0.00005; TOPMed 0.00003; ExAC 0.00004; 1000 Genomes Project 30x 0.00031; gnomAD 0.00001 and 0.00002.
gnomAD v4.1: 45 of 1,613,718 alleles (0.0028%); highest among the groups gnomAD compares: East Asian, 0.031%; no homozygotes.

Submissions (5):

GeneDx
Classification: Uncertain significance. Last evaluated: 2026-07-21. Review status: criteria provided, single submitter. Criteria: GeneDx Variant Classification Process June 2021. Collection method: clinical testing. Allele origin: germline.
Comment: In silico analysis suggests that this missense variant does not alter protein structure/function; This variant is associated with the following publications: (PMID: 31706454, 28964305, 21935370)

Blueprint Genetics
Classification: Likely pathogenic for DFNB59-related disorders. Last evaluated: 2024-08-29. Review status: criteria provided, single submitter. Criteria: ACMG Guidelines, 2015. Collection method: clinical testing. Allele origin: germline. Affected: yes. Observed: 2 variant alleles.

Laboratory for Molecular Medicine, Mass General Brigham Personalized Medicine
Classification: Uncertain significance. Last evaluated: 2018-10-29. Review status: criteria provided, single submitter. Criteria: LMM Criteria. Collection method: clinical testing. Allele origin: germline. Observed: 1 variant allele.
Comment: proposed classification - variant undergoing re-assessment, contact laboratory

Illumina Laboratory Services, Illumina
Classification: Uncertain significance for Autosomal recessive nonsyndromic hearing loss 59. Last evaluated: 2017-04-27. Review status: criteria provided, single submitter. Criteria: ICSL Variant Classification Criteria 13 December 2019. Collection method: clinical testing. Allele origin: germline.
Comment: This variant was observed as part of a predisposition screen in an ostensibly healthy population. A literature search was performed for the gene, cDNA change, and amino acid change (where applicable). Publications were found based on this search. However, the evidence from the literature, in combination with allele frequency data from public databases where available, was not sufficient to rule this variant in or out of causing disease. Therefore, this variant is classified as a variant of unknown significance.

Eurofins Ntd Llc (ga)
Classification: Uncertain significance. Last evaluated: 2016-12-20. Review status: criteria provided, single submitter. Criteria: EGL Classification Definitions 2015. Collection method: clinical testing. Allele origin: germline. Observed: 1 variant allele, 1 heterozygote.

Literature cited by the submitters: PubMed 16804542 (cited by Laboratory for Molecular Medicine, Mass General Brigham Personalized Medicine); PubMed 21935370 (cited by Laboratory for Molecular Medicine, Mass General Brigham Personalized Medicine and Illumina Laboratory Services, Illumina).

NM_001042702.5(PJVK):c.548G>A (p.Arg183Gln)

Gene: PJVK (pejvakin; plus strand). Cytogenetic location: 2q31.2.
Variant type: single nucleotide variant.
Coding change: c.548G>A on transcript NM_001042702.5 (MANE Select); coding-DNA position 548, G replaced by A.
Protein change: p.Arg183Gln; replaces arginine 183 with glutamine.
Molecular consequence: missense variant.
Genome position (GRCh38, 1-based): chr2:178,456,150, G>A. VCF-style: chr2-178456150-G-A. GRCh37 (hg19) VCF-style: chr2-179320877-G-A.
Other names: c.557G>A, p.Arg186Gln (NM_001353775.2); c.653G>A, p.Arg218Gln (NM_001353776.2); c.71G>A, p.Arg24Gln (NM_001353777.1, NM_001353778.2); c.548G>A, p.Arg183Gln (NM_001369912.1); short protein forms R183Q, R218Q, R186Q, R24Q.
Identifiers: ClinVar variation 499356 (VCV000499356.15), dbSNP rs760036509, ClinGen allele CA1984215.
Genomic context (GRCh38, chr2:178,456,150, plus strand): 5'-TCCGAACCACACGACAGTGCTCACTGTCTGTGCATGCTGGAATTCGAGGGGAAGCAATGC[G>A]GGTAAACCACACTTGTTGGGTTCTCTTACTAACTAAAGTGTTGCCATGGGAATTTTTTTA-3'
Protein context (NP_001036167.1, residues 173-193): VHAGIRGEAM[Arg183Gln]FHFMDEQNPK